The following is an entry in ClinVar:

NM_005751.5(AKAP9):c.5048C>T (p.Thr1683Met)

Genes: AKAP9 (A-kinase anchoring protein 9; plus strand), LOC121175350 (Sharpr-MPRA regulatory region 2641; plus strand). Cytogenetic location: 7q21.2.
Variant type: single nucleotide variant.
Coding change: c.5048C>T on transcript NM_005751.5 (MANE Select); coding-DNA position 5048, C replaced by T.
Protein change: p.Thr1683Met; replaces threonine 1683 with methionine.
Molecular consequence: missense variant.
Genome position (GRCh38, 1-based): chr7:92,042,176, C>T. VCF-style: chr7-92042176-C-T. GRCh37 (hg19) VCF-style: chr7-91671490-C-T.
Other names: c.5048C>T, p.Thr1683Met (NM_147185.3); short protein forms T1683M.
Identifiers: ClinVar variation 240254 (VCV000240254.16), dbSNP rs146305558, ClinGen allele CA4336715.

ClinVar aggregate classification (germline): Conflicting classifications of pathogenicity. Review status: criteria provided, conflicting classifications (1 of 4 stars). 6 submissions from 6 submitters: Uncertain significance (4); Likely benign (2). Last evaluated 2025-10-07.

Conditions:
Cardiovascular phenotype. Identifiers: MedGen CN230736.
Long QT syndrome (LQTS). Identifiers: MedGen C0023976, MeSH D008133, MONDO:0002442. Disease mechanism: loss of function. Inheritance: Various modes of inheritance.
Long QT syndrome 11 (LQT11). Identifiers: Orphanet 101016, Orphanet 768, MedGen C2678483, MONDO:0012738, OMIM 611820.

Allele frequency attached by ClinVar (database versions not stated): gnomAD 0.00014 and 0.00015; 1000 Genomes Project 30x 0.00016; TOPMed 0.00019; 1000 Genomes Project 0.00020; ESP Exome Variant Server 0.00023; ExAC 0.00031.
gnomAD v4.1: 448 of 1,613,784 alleles (0.028%); highest among the groups gnomAD compares: Non-Finnish European, 0.035%; no homozygotes.

Submissions (6):

Labcorp Genetics (formerly Invitae), Labcorp
Classification: Uncertain significance for Long QT syndrome. Last evaluated: 2025-10-07. Review status: criteria provided, single submitter. Criteria: Invitae Variant Classification Sherloc (09022015). Collection method: clinical testing. Allele origin: germline.
Comment: This sequence change replaces threonine, which is neutral and polar, with methionine, which is neutral and non-polar, at codon 1683 of the AKAP9 protein (p.Thr1683Met). This variant is present in population databases (rs146305558, gnomAD 0.04%). This variant has not been reported in the literature in individuals affected with AKAP9-related conditions. ClinVar contains an entry for this variant (Variation ID: 240254). An algorithm developed to predict the effect of missense changes on protein structure and function (PolyPhen-2) suggests that this variant is likely to be disruptive. In summary, the available evidence is currently insufficient to determine the role of this variant in disease. Therefore, it has been classified as a Variant of Uncertain Significance.

Blueprint Genetics
Classification: Likely benign. Last evaluated: 2024-06-11. Review status: criteria provided, single submitter. Criteria: ACMG Guidelines, 2015. Collection method: clinical testing. Allele origin: germline.

Department of Pathology and Laboratory Medicine, Sinai Health System
Classification: Uncertain significance for long QT syndrome. Last evaluated: 2022-10-14. Review status: criteria provided, single submitter. Criteria: ACMG Guidelines, 2015. Collection method: research. Allele origin: germline.

Ambry Genetics
Classification: Likely benign for Cardiovascular phenotype. Last evaluated: 2022-05-04. Review status: criteria provided, single submitter. Criteria: Ambry Variant Classification Scheme 2023. Collection method: clinical testing. Allele origin: germline.

Fulgent Genetics
Classification: Uncertain significance for Long QT syndrome 11. Last evaluated: 2021-08-16. Review status: criteria provided, single submitter. Criteria: ACMG Guidelines, 2015. Collection method: clinical testing. Allele origin: unknown.

GeneDx
Classification: Uncertain significance. Last evaluated: 2016-06-22. Review status: criteria provided, single submitter. Criteria: GeneDx Variant Classification (06012015). Collection method: clinical testing. Allele origin: germline. Affected: yes.
Comment: A variant of uncertain significance has been identified in the AKAP9 gene. The T1683M variant has not been published as a pathogenic variant or been reported as a benign variant to our knowledge. This variant was not observed with any significant frequency in approximately 6,500 individuals of European and African American ancestry in the NHLBI Exome Sequencing Project, in the 1000 Genomes Project, or in the Exome Aggregation Consortium (ExAC). The T1683M variant is a non-conservative amino acid substitution, which is likely to impact secondary protein structure as these residues differ in polarity, charge, size and/or other properties. Additionally, this substitution occurs at a position that is conserved across species. Consequently, in silico analysis predicts this variant is probably damaging to the protein structure/function. Nevertheless, no missense variants in nearby residues have been reported in the Human Gene Mutation Database in association with LQTS (Stenson et al., 2014). Therefore, based on the currently available information, it is unclear whether this variant is pathogenic or benign

Literature cited by the submitters: PubMed 26350513 (cited by Ambry Genetics); PubMed 29641532 (cited by Ambry Genetics).